The following is an entry in ClinVar:

NM_003036.4(SKI):c.452C>G (p.Ser151Trp)

Gene: SKI (SKI proto-oncogene; plus strand). Cytogenetic location: 1p36.33.
Variant type: single nucleotide variant.
Coding change: c.452C>G on transcript NM_003036.4 (MANE Select); coding-DNA position 452, C replaced by G.
Protein change: p.Ser151Trp; replaces serine 151 with tryptophan.
Molecular consequence: missense variant.
Genome position (GRCh38, 1-based): chr1:2,229,218, C>G. VCF-style: chr1-2229218-C-G. GRCh37 (hg19) VCF-style: chr1-2160657-C-G.
Other names: short protein forms S151W.
Identifiers: ClinVar variation 1722007 (VCV001722007.5), dbSNP rs2527577670, ClinGen allele CA337953347.

ClinVar aggregate classification (germline): Uncertain significance (1 of 4 stars; one submission).

Conditions:
Shprintzen-Goldberg syndrome (SGS). Also called: CRANIOSYNOSTOSIS WITH ARACHNODACTYLY AND ABDOMINAL HERNIAS; SHPRINTZEN-GOLDBERG CRANIOSYNOSTOSIS SYNDROME; Marfanoid disorder with craniosynostosis type 1; Marfanoid craniosynostosis syndrome; Shprintzen-Goldberg marfanoid syndrome. Identifiers: Orphanet 2462, MedGen C1321551, MONDO:0008426, OMIM 182212.

Submission:

Labcorp Genetics (formerly Invitae), Labcorp
Classification: Uncertain significance for Shprintzen-Goldberg syndrome. Last evaluated: 2022-10-21. Review status: criteria provided, single submitter. Criteria: Invitae Variant Classification Sherloc (09022015). Collection method: clinical testing. Allele origin: germline.
Comment: This sequence change replaces serine, which is neutral and polar, with tryptophan, which is neutral and slightly polar, at codon 151 of the SKI protein (p.Ser151Trp). This variant is not present in population databases (gnomAD no frequency). In summary, the available evidence is currently insufficient to determine the role of this variant in disease. Therefore, it has been classified as a Variant of Uncertain Significance. Advanced modeling of protein sequence and biophysical properties (such as structural, functional, and spatial information, amino acid conservation, physicochemical variation, residue mobility, and thermodynamic stability) performed at Invitae indicates that this missense variant is expected to disrupt SKI protein function. This variant has not been reported in the literature in individuals affected with SKI-related conditions.